The following is an entry in ClinVar:

ClinVar aggregate classification (germline): Pathogenic. Review status: reviewed by expert panel (3 of 4 stars). 2 submissions from 2 submitters: Pathogenic (1). 1 of the submissions does not count toward it. Last evaluated 2017-12-15.

Conditions:
Breast-ovarian cancer, familial, susceptibility to, 1 (BROVCA1). Also called: BRCA1 Hereditary Breast and Ovarian Cancer; OVARIAN CANCER, SUSCEPTIBILITY TO. Identifiers: Orphanet 145, MedGen C2676676, MONDO:0011450, OMIM 604370. Disease mechanism: loss of function.
Breast neoplasm. Also called: Breast Neoplasms; Neoplasm of the breast; Neoplasm of breast; Breast tumor. Identifiers: MedGen C1458155, MeSH D001943, MONDO:0021100, HP:0100013. Disease mechanism: gain of function.

Submissions (2):

Evidence-based Network for the Interpretation of Germline Mutant Alleles (ENIGMA)
Classification: Pathogenic for Breast-ovarian cancer, familial, susceptibility to, 1. Last evaluated: 2017-12-15. Review status: reviewed by expert panel. Criteria: ENIGMA BRCA1/2 Classification Criteria (2017-06-29). Collection method: curation. Allele origin: germline. Study: ENIGMA.
Comment: Variant allele predicted to encode a truncated non-functional protein.

Laboratory of Molecular Diagnosis of Cancer, West China Hospital, Sichuan University
Classification: Pathogenic for Breast neoplasm. Last evaluated: 2015-11-01. Review status: criteria provided, single submitter. Criteria: ACMG Guidelines, 2015. Collection method: research. Allele origin: germline. Affected: yes. Observed: 1 variant allele. Not counted in ClinVar's aggregate classification.

Literature cited by the submitters: PubMed 27257965 (cited by Laboratory of Molecular Diagnosis of Cancer, West China Hospital, Sichuan University).

NM_007294.4(BRCA1):c.2570T>A (p.Leu857Ter)

Gene: BRCA1 (BRCA1 DNA repair associated; minus strand). Cytogenetic location: 17q21.31.
Variant type: single nucleotide variant.
Coding change: c.2570T>A on transcript NM_007294.4 (MANE Select); coding-DNA position 2570, T replaced by A.
Protein change: p.Leu857Ter; replaces leucine 857 with a stop codon.
Molecular consequence: nonsense. On other transcripts: intron variant (137).
Genome position (GRCh38, 1-based): chr17:43,092,961, A>T on the plus strand (T>A on the coding strand, the complement: BRCA1 is on the minus strand). VCF-style: chr17-43092961-A-T. GRCh37 (hg19) VCF-style: chr17-41244978-A-T.
Other names: c.2357T>A, p.Leu786Ter (NM_001407899.1, NM_001407917.1, NM_001407918.1 and 9 more transcripts); c.2447T>A, p.Leu816Ter (NM_001407919.1, NM_001407937.1, NM_001407938.1 and 19 more transcripts); c.2306T>A, p.Leu769Ter (NM_001407920.1, NM_001407921.1, NM_001407922.1 and 9 more transcripts); c.2303T>A, p.Leu768Ter (NM_001407936.1, NM_001407930.1, NM_001407931.1 and 2 more transcripts); c.2444T>A, p.Leu815Ter (NM_001407940.1, NM_001407941.1, NM_001407685.1 and 11 more transcripts); c.2429T>A, p.Leu810Ter (NM_001407942.1, NM_001407944.1, NM_007297.4 and 29 more transcripts); c.2426T>A, p.Leu809Ter (NM_001407943.1, NM_001407964.1, NM_001407744.1 and 20 more transcripts); c.2234T>A, p.Leu745Ter (NM_001407955.1, NM_001407956.1, NM_001407958.1 and 1 more transcripts); and 41 more; short protein forms L857*, L810*, L561*, L746*, L786*, L856*, L730*, L745*.
Identifiers: ClinVar variation 224421 (VCV000224421.3), dbSNP rs886037787, ClinGen allele CA10575948.